The following is an entry in ClinVar:

ClinVar aggregate classification (germline): Uncertain significance. Review status: criteria provided, multiple submitters, no conflicts (2 of 4 stars). 3 submissions from 3 submitters: Uncertain significance (3). Last evaluated 2025-07-31.

Conditions:
Microspherophakia and/or megalocornea, with ectopia lentis and with or without secondary glaucoma (MSPKA). Identifiers: Orphanet 238763, MedGen C3538951, MONDO:0009633, OMIM 251750.
Glaucoma 3, primary congenital, D. Identifiers: Orphanet 98976, MedGen C2751316, MONDO:0013122, OMIM 613086.
Weill-Marchesani syndrome 3 (WMS3). Also called: LTBP2-Related Weill-Marchesani Syndrome; Weill-Marchesani syndrome 3, recessive. Identifiers: Orphanet 3449, MedGen C3553785, MONDO:0013899, OMIM 614819.
Glaucoma 3, primary infantile, B. Also called: GLC3 type B; Primary congenital glaucoma type 3B; Glaucoma primary congenita type 3B; GLAUCOMA, PRIMARY CONGENITAL, TYPE B; GLC3B. Identifiers: Orphanet 98976, MedGen C1832977, MONDO:0010968, OMIM 600975.
Inborn genetic diseases. Identifiers: MedGen C0950123, MeSH D030342.

Allele frequency attached by ClinVar (database versions not stated): gnomAD exomes 0.00004; ExAC 0.00005; gnomAD 0.00011 and 0.00012; ESP Exome Variant Server 0.00015; TOPMed 0.00015.
gnomAD v4.1: 52 of 1,613,834 alleles (0.0032%); highest among the groups gnomAD compares: Middle Eastern, 0.033%; 1 homozygote.

Submissions (3):

Ambry Genetics
Classification: Uncertain significance for Inborn genetic diseases. Last evaluated: 2025-07-31. Review status: criteria provided, single submitter. Criteria: Ambry Variant Classification Scheme 2023. Collection method: clinical testing. Allele origin: germline.

Labcorp Genetics (formerly Invitae), Labcorp
Classification: Uncertain significance. Last evaluated: 2022-07-05. Review status: criteria provided, single submitter. Criteria: Invitae Variant Classification Sherloc (09022015). Collection method: clinical testing. Allele origin: germline.
Comment: This sequence change replaces proline, which is neutral and non-polar, with leucine, which is neutral and non-polar, at codon 1626 of the LTBP2 protein (p.Pro1626Leu). This variant is present in population databases (rs141230498, gnomAD 0.02%). This variant has not been reported in the literature in individuals affected with LTBP2-related conditions. ClinVar contains an entry for this variant (Variation ID: 1357924). Algorithms developed to predict the effect of missense changes on protein structure and function (SIFT, PolyPhen-2, Align-GVGD) all suggest that this variant is likely to be disruptive. In summary, the available evidence is currently insufficient to determine the role of this variant in disease. Therefore, it has been classified as a Variant of Uncertain Significance.

Fulgent Genetics
Classification: Uncertain significance for Microspherophakia and/or megalocornea, with ectopia lentis and with or without secondary glaucoma; Glaucoma 3, primary infantile, B; Glaucoma 3, primary congenital, D; Weill-Marchesani syndrome 3. Last evaluated: 2021-10-12. Review status: criteria provided, single submitter. Criteria: ACMG Guidelines, 2015. Collection method: clinical testing. Allele origin: unknown.

NM_000428.3(LTBP2):c.4877C>T (p.Pro1626Leu)

Gene: LTBP2 (latent transforming growth factor beta binding protein 2; minus strand). Cytogenetic location: 14q24.3.
Variant type: single nucleotide variant.
Coding change: c.4877C>T on transcript NM_000428.3 (MANE Select); coding-DNA position 4877, C replaced by T.
Protein change: p.Pro1626Leu; replaces proline 1626 with leucine.
Molecular consequence: missense variant.
Genome position (GRCh38, 1-based): chr14:74,503,230, G>A on the plus strand (C>T on the coding strand, the complement: LTBP2 is on the minus strand). VCF-style: chr14-74503230-G-A. GRCh37 (hg19) VCF-style: chr14-74969933-G-A.
Other names: c.4877C>T (NM_000428.2); short protein forms P1626L.
Identifiers: ClinVar variation 1357924 (VCV001357924.6), dbSNP rs141230498, ClinGen allele CA7268613.